The following is an entry in ClinVar:

NM_005097.4(LGI1):c.90G>C (p.Leu30Phe)

Gene: LGI1 (leucine rich glioma inactivated 1; plus strand). Cytogenetic location: 10q23.33.
Variant type: single nucleotide variant.
Coding change: c.90G>C on transcript NM_005097.4 (MANE Select); coding-DNA position 90, G replaced by C.
Protein change: p.Leu30Phe; replaces leucine 30 with phenylalanine.
Molecular consequence: missense variant. On other transcripts: non-coding transcript variant (1).
Genome position (GRCh38, 1-based): chr10:93,758,234, G>C. VCF-style: chr10-93758234-G-C. GRCh37 (hg19) VCF-style: chr10-95517991-G-C.
Other names: c.90G>C, p.Leu30Phe (NM_001308275.2, NM_001308276.2); short protein forms L30F.
Identifiers: ClinVar variation 849202 (VCV000849202.11), dbSNP rs1178032111, ClinGen allele CA377631234.

ClinVar aggregate classification (germline): Uncertain significance (1 of 4 stars; one submission).

Conditions:
Autosomal dominant epilepsy with auditory features. Identifiers: Orphanet 101046, MedGen C1838062, MONDO:0010898.

Allele frequency attached by ClinVar (database versions not stated): gnomAD exomes below 0.00001; TOPMed below 0.00001.
gnomAD v4.1: 1 of 1,614,136 alleles (0.000062%); highest among the groups gnomAD compares: East Asian, 0.0022%; no homozygotes.

Submission:

Labcorp Genetics (formerly Invitae), Labcorp
Classification: Uncertain significance for Autosomal dominant epilepsy with auditory features. Last evaluated: 2024-12-02. Review status: criteria provided, single submitter. Criteria: Invitae Variant Classification Sherloc (09022015). Collection method: clinical testing. Allele origin: germline.
Comment: This sequence change replaces leucine, which is neutral and non-polar, with phenylalanine, which is neutral and non-polar, at codon 30 of the LGI1 protein (p.Leu30Phe). This variant is present in population databases (no rsID available, gnomAD 0.006%). This variant has not been reported in the literature in individuals affected with LGI1-related conditions. ClinVar contains an entry for this variant (Variation ID: 849202). Invitae Evidence Modeling of protein sequence and biophysical properties (such as structural, functional, and spatial information, amino acid conservation, physicochemical variation, residue mobility, and thermodynamic stability) indicates that this missense variant is not expected to disrupt LGI1 protein function with a negative predictive value of 80%. In summary, the available evidence is currently insufficient to determine the role of this variant in disease. Therefore, it has been classified as a Variant of Uncertain Significance.